The following is an entry in ClinVar:

ClinVar aggregate classification (germline): Uncertain significance. Review status: criteria provided, multiple submitters, no conflicts (2 of 4 stars). 2 submissions from 2 submitters: Uncertain significance (2). Last evaluated 2025-10-15.

Conditions:
Inborn genetic diseases. Identifiers: MedGen C0950123, MeSH D030342.

Submissions (2):

Labcorp Genetics (formerly Invitae), Labcorp
Classification: Uncertain significance. Last evaluated: 2025-10-15. Review status: criteria provided, single submitter. Criteria: Invitae Variant Classification Sherloc (09022015). Collection method: clinical testing. Allele origin: germline.
Comment: This sequence change replaces histidine, which is basic and polar, with leucine, which is neutral and non-polar, at codon 158 of the MDH2 protein (p.His158Leu). This variant is not present in population databases (gnomAD no frequency). This variant has not been reported in the literature in individuals affected with MDH2-related conditions. Invitae Evidence Modeling of protein sequence and biophysical properties (such as structural, functional, and spatial information, amino acid conservation, physicochemical variation, residue mobility, and thermodynamic stability) indicates that this missense variant is not expected to disrupt MDH2 protein function with a negative predictive value of 80%. In summary, the available evidence is currently insufficient to determine the role of this variant in disease. Therefore, it has been classified as a Variant of Uncertain Significance.

Ambry Genetics
Classification: Uncertain significance for Inborn genetic diseases. Last evaluated: 2025-08-21. Review status: criteria provided, single submitter. Criteria: Ambry Variant Classification Scheme 2023. Collection method: clinical testing. Allele origin: germline.

NM_005918.4(MDH2):c.473A>T (p.His158Leu)

Gene: MDH2 (malate dehydrogenase 2; plus strand). Cytogenetic location: 7q11.23.
Variant type: single nucleotide variant.
Coding change: c.473A>T on transcript NM_005918.4 (MANE Select); coding-DNA position 473, A replaced by T.
Protein change: p.His158Leu; replaces histidine 158 with leucine.
Molecular consequence: missense variant. On other transcripts: intron variant (1).
Genome position (GRCh38, 1-based): chr7:76,060,416, A>T. VCF-style: chr7-76060416-A-T. GRCh37 (hg19) VCF-style: chr7-75689734-A-T.
Other names: c.152A>T, p.His51Leu (NM_001282404.2); c.429+2338A>T (NM_001282403.2); short protein forms H51L, H158L.
Identifiers: ClinVar variation 4105488 (VCV004105488.2).